The following is an entry in ClinVar:

NM_001204.7(BMPR2):c.1505C>A (p.Ala502Asp)

Gene: BMPR2 (bone morphogenetic protein receptor type 2; plus strand). Cytogenetic location: 2q33.2.
Variant type: single nucleotide variant.
Coding change: c.1505C>A on transcript NM_001204.7 (MANE Select); coding-DNA position 1505, C replaced by A.
Protein change: p.Ala502Asp; replaces alanine 502 with aspartic acid.
Molecular consequence: missense variant.
Genome position (GRCh38, 1-based): chr2:202,552,807, C>A. VCF-style: chr2-202552807-C-A. GRCh37 (hg19) VCF-style: chr2-203417530-C-A.
Other names: short protein forms A502D.
Identifiers: ClinVar variation 4214466 (VCV004214466.1).

ClinVar aggregate classification (germline): Uncertain significance (1 of 4 stars; one submission).

Conditions:
Inborn genetic diseases. Identifiers: MedGen C0950123, MeSH D030342.

Submission:

Ambry Genetics
Classification: Uncertain significance for Inborn genetic diseases. Last evaluated: 2025-07-25. Review status: criteria provided, single submitter. Criteria: Ambry Variant Classification Scheme 2023. Collection method: clinical testing. Allele origin: germline.
Comment: The p.A502D variant (also known as c.1505C>A), located in coding exon 11 of the BMPR2 gene, results from a C to A substitution at nucleotide position 1505. The alanine at codon 502 is replaced by aspartic acid, an amino acid with dissimilar properties. This amino acid position is conserved. In addition, this alteration is predicted to be deleterious by in silico analysis. Based on the available evidence, the clinical significance of this variant remains unclear.